The following is an entry in ClinVar:

NM_002470.4(MYH3):c.4321G>A (p.Ala1441Thr)

Gene: MYH3 (myosin heavy chain 3; minus strand). Cytogenetic location: 17p13.1.
Variant type: single nucleotide variant.
Coding change: c.4321G>A on transcript NM_002470.4 (MANE Select); coding-DNA position 4321, G replaced by A.
Protein change: p.Ala1441Thr; replaces alanine 1441 with threonine.
Molecular consequence: missense variant.
Genome position (GRCh38, 1-based): chr17:10,634,875, C>T on the plus strand (G>A on the coding strand, the complement: MYH3 is on the minus strand). VCF-style: chr17-10634875-C-T. GRCh37 (hg19) VCF-style: chr17-10538192-C-T.
Other names: c.4321G>A (NM_002470.3); short protein forms A1441T.
Identifiers: ClinVar variation 1405358 (VCV001405358.12), dbSNP rs190551597, ClinGen allele CA8392271.

ClinVar aggregate classification (germline): Uncertain significance. Review status: criteria provided, multiple submitters, no conflicts (2 of 4 stars). 4 submissions from 4 submitters: Uncertain significance (3). 1 of the submissions does not count toward it. Last evaluated 2025-10-02.

Conditions:
MYH3-related disorder. Also called: MYH3-Related Disorders; MYH3-related condition. Identifiers: MedGen CN239329.
Inborn genetic diseases. Identifiers: MedGen C0950123, MeSH D030342.

Allele frequency attached by ClinVar (database versions not stated): gnomAD 0.00016 and 0.00017; ESP Exome Variant Server 0.00023; 1000 Genomes Project 0.00040; 1000 Genomes Project 30x 0.00047; ExAC 0.00007; TOPMed 0.00012; gnomAD exomes 0.00013.
gnomAD v4.1: 267 of 1,614,140 alleles (0.017%); highest among the groups gnomAD compares: Non-Finnish European, 0.021%; 1 homozygote.

Submissions (4):

Labcorp Genetics (formerly Invitae), Labcorp
Classification: Uncertain significance. Last evaluated: 2025-10-02. Review status: criteria provided, single submitter. Criteria: Invitae Variant Classification Sherloc (09022015). Collection method: clinical testing. Allele origin: germline.
Comment: This sequence change replaces alanine, which is neutral and non-polar, with threonine, which is neutral and polar, at codon 1441 of the MYH3 protein (p.Ala1441Thr). This variant is present in population databases (rs190551597, gnomAD 0.03%). This variant has not been reported in the literature in individuals affected with MYH3-related conditions. ClinVar contains an entry for this variant (Variation ID: 1405358). Invitae Evidence Modeling of protein sequence and biophysical properties (such as structural, functional, and spatial information, amino acid conservation, physicochemical variation, residue mobility, and thermodynamic stability) indicates that this missense variant is not expected to disrupt MYH3 protein function with a negative predictive value of 95%. In summary, the available evidence is currently insufficient to determine the role of this variant in disease. Therefore, it has been classified as a Variant of Uncertain Significance.

Ambry Genetics
Classification: Uncertain significance for Inborn genetic diseases. Last evaluated: 2024-01-29. Review status: criteria provided, single submitter. Criteria: Ambry Variant Classification Scheme 2023. Collection method: clinical testing. Allele origin: germline.

Revvity Omics, Revvity
Classification: Uncertain significance. Last evaluated: 2019-09-28. Review status: criteria provided, single submitter. Criteria: ACMG Guidelines, 2015. Collection method: clinical testing. Allele origin: germline.

PreventionGenetics, part of Exact Sciences
Classification: Uncertain significance for MYH3-related condition. Last evaluated: 2024-06-05. Review status: no assertion criteria provided. Collection method: clinical testing. Allele origin: germline. Not counted in ClinVar's aggregate classification.
Comment: The MYH3 c.4321G>A variant is predicted to result in the amino acid substitution p.Ala1441Thr. To our knowledge, this variant has not been reported in the literature. This variant is reported in 0.025% of alleles in individuals of European (non-Finnish) descent in gnomAD, which is likely too common for an autosomal dominant disorder. Although we suspect that this variant may be benign, at this time, the clinical significance of this variant is uncertain due to the absence of conclusive functional and genetic evidence.